The following is an entry in ClinVar:

NM_000283.4(PDE6B):c.11G>A (p.Ser4Asn)

Gene: PDE6B (phosphodiesterase 6B; plus strand). Cytogenetic location: 4p16.3.
Variant type: single nucleotide variant.
Coding change: c.11G>A on transcript NM_000283.4 (MANE Select); coding-DNA position 11, G replaced by A.
Protein change: p.Ser4Asn; replaces serine 4 with asparagine.
Molecular consequence: missense variant.
Genome position (GRCh38, 1-based): chr4:625,637, G>A. VCF-style: chr4-625637-G-A. GRCh37 (hg19) VCF-style: chr4-619426-G-A.
Other names: c.11G>A, p.Ser4Asn (NM_001145291.2, NM_001440547.1, NM_001440548.1); short protein forms S4N.
Identifiers: ClinVar variation 4696699 (VCV004696699.1).

ClinVar aggregate classification (germline): Uncertain significance (1 of 4 stars; one submission).

gnomAD v4.1: 10 of 1,612,760 alleles (0.00062%); highest among the groups gnomAD compares: East Asian, 0.0022%; no homozygotes.

Submission:

Labcorp Genetics (formerly Invitae), Labcorp
Classification: Uncertain significance. Last evaluated: 2025-04-30. Review status: criteria provided, single submitter. Criteria: Invitae Variant Classification Sherloc (09022015). Collection method: clinical testing. Allele origin: germline.
Comment: This sequence change replaces serine, which is neutral and polar, with asparagine, which is neutral and polar, at codon 4 of the PDE6B protein (p.Ser4Asn). This variant is present in population databases (rs369501371, gnomAD 0.007%). This variant has not been reported in the literature in individuals affected with PDE6B-related conditions. Invitae Evidence Modeling of protein sequence and biophysical properties (such as structural, functional, and spatial information, amino acid conservation, physicochemical variation, residue mobility, and thermodynamic stability) has been performed for this missense variant. However, the output from this modeling did not meet the statistical confidence thresholds required to predict the impact of this variant on PDE6B protein function. In summary, the available evidence is currently insufficient to determine the role of this variant in disease. Therefore, it has been classified as a Variant of Uncertain Significance.